The following is an entry in ClinVar:

NM_014967.5(FAN1):c.1110C>T (p.Thr370=)

Gene: FAN1 (FANCD2 and FANCI associated nuclease 1; plus strand). Cytogenetic location: 15q13.3.
Variant type: single nucleotide variant.
Coding change: c.1110C>T on transcript NM_014967.5 (MANE Select); coding-DNA position 1110, C replaced by T.
Protein change: p.Thr370=; no amino-acid change (threonine 370 retained).
Molecular consequence: synonymous variant.
Genome position (GRCh38, 1-based): chr15:30,905,773, C>T. VCF-style: chr15-30905773-C-T. GRCh37 (hg19) VCF-style: chr15-31197976-C-T.
Other names: p.Thr370=; c.1110C>T, p.Thr370= (NM_001146094.2, NM_001146095.1, NM_001146096.2).
Identifiers: ClinVar variation 1186282 (VCV001186282.12), dbSNP rs114136100, ClinGen allele CA7450187.

ClinVar aggregate classification (germline): Benign/Likely benign. Review status: criteria provided, multiple submitters, no conflicts (2 of 4 stars). 6 submissions from 6 submitters: Benign (2); Likely benign (3). 1 of the submissions does not count toward it. Last evaluated 2026-02-03.

Conditions:
FAN1-related disorder. Also called: FAN1-related condition.

Allele frequency attached by ClinVar (database versions not stated): 1000 Genomes Project 30x 0.00765; 1000 Genomes Project 0.00819; ESP Exome Variant Server 0.01107; gnomAD 0.01115 and 0.01126; gnomAD exomes 0.01154; ExAC 0.01168; TOPMed 0.01194.
gnomAD v4.1: 21,448 of 1,614,162 alleles (1.3%); highest among the groups gnomAD compares: Middle Eastern, 1.8%; 194 homozygotes.

Submissions (6):

Labcorp Genetics (formerly Invitae), Labcorp
Classification: Benign. Last evaluated: 2026-02-03. Review status: criteria provided, single submitter. Criteria: Invitae Variant Classification Sherloc (09022015). Collection method: clinical testing. Allele origin: germline.

Blueprint Genetics
Classification: Likely benign. Last evaluated: 2024-11-26. Review status: criteria provided, single submitter. Criteria: ACMG Guidelines, 2015. Collection method: clinical testing. Allele origin: germline.

Mayo Clinic Laboratories, Mayo Clinic
Classification: Benign. Last evaluated: 2023-02-14. Review status: criteria provided, single submitter. Criteria: ACMG Guidelines, 2015. Collection method: clinical testing. Allele origin: germline. Observed: 4 variant alleles.
Comment: BS1, BS2, BP4, BP7

GeneDx
Classification: Likely benign. Last evaluated: 2021-04-12. Review status: criteria provided, single submitter. Criteria: GeneDx Variant Classification Process June 2021. Collection method: clinical testing. Allele origin: germline. Affected: yes.

Breakthrough Genomics
Classification: Likely benign. Review status: criteria provided, single submitter. Criteria: ACMG Guidelines, 2015. Collection method: not provided. Allele origin: germline. Inheritance: Autosomal recessive inheritance. Affected: yes.

PreventionGenetics, part of Exact Sciences
Classification: Benign for FAN1-related condition. Last evaluated: 2020-02-26. Review status: no assertion criteria provided. Collection method: clinical testing. Allele origin: germline. Not counted in ClinVar's aggregate classification.
Comment: This variant is classified as benign based on ACMG/AMP sequence variant interpretation guidelines (Richards et al. 2015 PMID: 25741868, with internal and published modifications).